The following is an entry in ClinVar:

ClinVar aggregate classification (germline): Uncertain significance (1 of 4 stars; one submission).

Conditions:
Long QT syndrome (LQTS). Identifiers: MedGen C0023976, MeSH D008133, MONDO:0002442. Disease mechanism: loss of function. Inheritance: Various modes of inheritance.

Allele frequency attached by ClinVar (database versions not stated): TOPMed below 0.00001.

Submission:

Labcorp Genetics (formerly Invitae), Labcorp
Classification: Uncertain significance for Long QT syndrome. Last evaluated: 2024-02-08. Review status: criteria provided, single submitter. Criteria: Invitae Variant Classification Sherloc (09022015). Collection method: clinical testing. Allele origin: germline.
Comment: This sequence change replaces valine, which is neutral and non-polar, with isoleucine, which is neutral and non-polar, at codon 1033 of the ANK2 protein (p.Val1033Ile). This variant is not present in population databases (gnomAD no frequency). This variant has not been reported in the literature in individuals affected with ANK2-related conditions. ClinVar contains an entry for this variant (Variation ID: 958802). Advanced modeling of protein sequence and biophysical properties (such as structural, functional, and spatial information, amino acid conservation, physicochemical variation, residue mobility, and thermodynamic stability) performed at Invitae indicates that this missense variant is not expected to disrupt ANK2 protein function with a negative predictive value of 80%. In summary, the available evidence is currently insufficient to determine the role of this variant in disease. Therefore, it has been classified as a Variant of Uncertain Significance.

NM_001148.6(ANK2):c.3097G>A (p.Val1033Ile)

Gene: ANK2 (ankyrin 2; plus strand). Cytogenetic location: 4q26.
Variant type: single nucleotide variant.
Coding change: c.3097G>A on transcript NM_001148.6 (MANE Select); coding-DNA position 3097, G replaced by A.
Protein change: p.Val1033Ile; replaces valine 1033 with isoleucine.
Molecular consequence: missense variant.
Genome position (GRCh38, 1-based): chr4:113,330,442, G>A. VCF-style: chr4-113330442-G-A. GRCh37 (hg19) VCF-style: chr4-114251598-G-A.
Other names: c.3070G>A, p.Val1024Ile (NM_001127493.3); c.3109G>A, p.Val1037Ile (NM_001354225.2); c.3097G>A, p.Val1033Ile (NM_001354228.2, NM_001354258.2, NM_020977.5); c.3175G>A, p.Val1059Ile (NM_001354230.2, NM_001354237.2); c.3139G>A, p.Val1047Ile (NM_001354231.2, NM_001354242.2); c.3133G>A, p.Val1045Ile (NM_001354232.2); c.3094G>A, p.Val1032Ile (NM_001354235.2, NM_001354236.2, NM_001354246.2 and 1 more transcripts); c.3067G>A, p.Val1023Ile (NM_001354239.2, NM_001354252.2, NM_001354272.2); and 23 more; short protein forms V1004I, V1011I, V1012I, V938I, V962I, V971I, V979I, V999I.
Identifiers: ClinVar variation 958802 (VCV000958802.6), dbSNP rs2092088890, ClinGen allele CA357935302.